The following is an entry in ClinVar:

NM_001257096.2(PAX1):c.613G>A (p.Val205Ile)

Gene: PAX1 (paired box 1; plus strand). Cytogenetic location: 20p11.22.
Variant type: single nucleotide variant.
Coding change: c.613G>A on transcript NM_001257096.2 (MANE Select); coding-DNA position 613, G replaced by A.
Protein change: p.Val205Ile; replaces valine 205 with isoleucine.
Molecular consequence: missense variant.
Genome position (GRCh38, 1-based): chr20:21,706,764, G>A. VCF-style: chr20-21706764-G-A. GRCh37 (hg19) VCF-style: chr20-21687402-G-A.
Other names: c.613G>A, p.Val205Ile (NM_006192.5); short protein forms V205I.
Identifiers: ClinVar variation 2049470 (VCV002049470.4), dbSNP rs1045188908, ClinGen allele CA313027469.
Genomic context (GRCh38, chr20:21,706,764, plus strand): 5'-AAGCAAGGAGACCCTGGCATCTTTGCCTGGGAGATCCGCGACCGGCTGCTGGCCGACGGC[G>A]TCTGTGACAAGTACAATGTGCCTTCGGTGAGCTCCATCAGCCGCATCCTGCGCAACAAGA-3'
Protein context (NP_001244025.1, residues 195-215): EIRDRLLADG[Val205Ile]CDKYNVPSVS

ClinVar aggregate classification (germline): Uncertain significance (1 of 4 stars; one submission).

Allele frequency attached by ClinVar (database versions not stated): gnomAD exomes 0.00001; gnomAD 0.00001; TOPMed 0.00002.

Submission:

Labcorp Genetics (formerly Invitae), Labcorp
Classification: Uncertain significance. Last evaluated: 2025-04-07. Review status: criteria provided, single submitter. Criteria: Invitae Variant Classification Sherloc (09022015). Collection method: clinical testing. Allele origin: germline.
Comment: This sequence change replaces valine, which is neutral and non-polar, with isoleucine, which is neutral and non-polar, at codon 205 of the PAX1 protein (p.Val205Ile). This variant is present in population databases (no rsID available, gnomAD 0.007%). This variant has not been reported in the literature in individuals affected with PAX1-related conditions. ClinVar contains an entry for this variant (Variation ID: 2049470). Invitae Evidence Modeling of protein sequence and biophysical properties (such as structural, functional, and spatial information, amino acid conservation, physicochemical variation, residue mobility, and thermodynamic stability) indicates that this missense variant is not expected to disrupt PAX1 protein function with a negative predictive value of 80%. In summary, the available evidence is currently insufficient to determine the role of this variant in disease. Therefore, it has been classified as a Variant of Uncertain Significance.